The following is an entry in ClinVar:

NM_000214.3(JAG1):c.2507_2508del (p.Val836fs)

Gene: JAG1 (jagged canonical Notch ligand 1; minus strand). Cytogenetic location: 20p12.2.
Variant type: Microsatellite.
Coding change: c.2507_2508del on transcript NM_000214.3 (MANE Select); coding-DNA positions 2507 to 2508, 2 bases deleted (TG; older notation c.2507_2508delTG).
Protein change: p.Val836fs; shifts the reading frame from valine 836.
Molecular consequence: frameshift variant.
Genome position (GRCh38, 1-based): chr20:10,642,552-10,642,553, CA deleted on the plus strand (TG on the coding strand, the reverse complement: JAG1 is on the minus strand); deleting any 2 consecutive bases within chr20:10,642,552-10,642,557 gives the same sequence; the c. name uses the placement nearest the transcript's 3' end. VCF-style (leftmost placement, unchanged base first): chr20-10642551-CCA-C. GRCh37 (hg19) VCF-style: chr20-10623199-CCA-C.
Other names: short protein forms V836fs.
Identifiers: ClinVar variation 652176 (VCV000652176.6), dbSNP rs1600179892, ClinGen allele CA915953091.

ClinVar aggregate classification (germline): Pathogenic (1 of 4 stars; one submission).

Conditions:
Alagille syndrome due to a JAG1 point mutation. Also called: HEPATIC DUCTULAR HYPOPLASIA, SYNDROMATIC; JAG1-Related Alagille Syndrome; Alagille Syndrome 1. Identifiers: Orphanet 261619, Orphanet 52, MedGen C1956125, MONDO:0016862, OMIM 118450.

Submission:

Labcorp Genetics (formerly Invitae), Labcorp
Classification: Pathogenic for Alagille syndrome due to a JAG1 point mutation. Last evaluated: 2018-10-04. Review status: criteria provided, single submitter. Criteria: Invitae Variant Classification Sherloc (09022015). Collection method: clinical testing. Allele origin: germline.
Comment: This sequence change creates a premature translational stop signal (p.Val836Glyfs*2) in the JAG1 gene. It is expected to result in an absent or disrupted protein product. This variant is not present in population databases (ExAC no frequency). This variant has not been reported in the literature in individuals with JAG1-related disease. Loss-of-function variants in JAG1 are known to be pathogenic (PMID: 11180599). For these reasons, this variant has been classified as Pathogenic.

Literature cited by the submitters: PubMed 11180599.